The following is an entry in ClinVar:

ClinVar aggregate classification (germline): Conflicting classifications of pathogenicity. Review status: criteria provided, conflicting classifications (1 of 4 stars). 3 submissions from 3 submitters: Uncertain significance (2); Likely benign (1). Last evaluated 2025-08-27.

Conditions:
Hereditary cancer-predisposing syndrome. Also called: Hereditary Cancer Syndrome; Hereditary neoplastic syndrome; Neoplastic Syndromes, Hereditary; Tumor predisposition. Identifiers: Orphanet 140162, MedGen C0027672, MeSH D009386, MONDO:0015356.
Familial adenomatous polyposis 1 (FAP1). Also called: FAMILIAL ADENOMATOUS POLYPOSIS 1, ATTENUATED; POLYPOSIS, ADENOMATOUS INTESTINAL. Identifiers: MedGen C2713442, MONDO:0021056, OMIM 175100. Disease mechanism: loss of function.

Submissions (3):

Labcorp Genetics (formerly Invitae), Labcorp
Classification: Uncertain significance for Familial adenomatous polyposis 1. Last evaluated: 2025-08-27. Review status: criteria provided, single submitter. Criteria: Invitae Variant Classification Sherloc (09022015). Collection method: clinical testing. Allele origin: germline.
Comment: This sequence change replaces serine, which is neutral and polar, with tyrosine, which is neutral and polar, at codon 2398 of the APC protein (p.Ser2398Tyr). This variant is not present in population databases (gnomAD no frequency). This variant has not been reported in the literature in individuals affected with APC-related conditions. ClinVar contains an entry for this variant (Variation ID: 1686452). Invitae Evidence Modeling of protein sequence and biophysical properties (such as structural, functional, and spatial information, amino acid conservation, physicochemical variation, residue mobility, and thermodynamic stability) indicates that this missense variant is not expected to disrupt APC protein function with a negative predictive value of 95%. In summary, the available evidence is currently insufficient to determine the role of this variant in disease. Therefore, it has been classified as a Variant of Uncertain Significance.

Ambry Genetics
Classification: Uncertain significance for Hereditary cancer-predisposing syndrome. Last evaluated: 2025-08-09. Review status: criteria provided, single submitter. Criteria: Ambry Variant Classification Scheme 2023. Collection method: clinical testing. Allele origin: germline.

Mendelics
Classification: Likely benign for Hereditary cancer-predisposing syndrome. Last evaluated: 2024-04-09. Review status: criteria provided, single submitter. Criteria: ACMG Guidelines, 2015. Collection method: clinical testing. Allele origin: unknown.

NM_000038.6(APC):c.7193C>A (p.Ser2398Tyr)

Gene: APC (APC regulator of Wnt signaling pathway; plus strand). Cytogenetic location: 5q22.2.
Variant type: single nucleotide variant.
Coding change: c.7193C>A on transcript NM_000038.6 (MANE Select); coding-DNA position 7193, C replaced by A.
Protein change: p.Ser2398Tyr; replaces serine 2398 with tyrosine.
Molecular consequence: missense variant.
Genome position (GRCh38, 1-based): chr5:112,842,787, C>A. VCF-style: chr5-112842787-C-A. GRCh37 (hg19) VCF-style: chr5-112178484-C-A.
Other names: c.7193C>A (NM_000038.5); c.7193C>A, p.Ser2398Tyr (NM_001127510.3, NM_001354895.2); c.7139C>A, p.Ser2380Tyr (NM_001127511.3); c.7247C>A, p.Ser2416Tyr (NM_001354896.2); c.7223C>A, p.Ser2408Tyr (NM_001354897.2); c.7118C>A, p.Ser2373Tyr (NM_001354898.2); c.7109C>A, p.Ser2370Tyr (NM_001354899.2); c.7070C>A, p.Ser2357Tyr (NM_001354900.2); and 6 more; short protein forms S2115Y, S2238Y, S2272Y, S2297Y, S2307Y, S2339Y, S2357Y, S2370Y.
Identifiers: ClinVar variation 1686452 (VCV001686452.4), dbSNP rs150882838, ClinGen allele CA16036997.